The following is an entry in ClinVar:

ClinVar aggregate classification (germline): Uncertain significance (1 of 4 stars; one submission).

Submission:

GeneDx
Classification: Uncertain significance. Last evaluated: 2026-04-18. Review status: criteria provided, single submitter. Criteria: GeneDx Variant Classification Process June 2021. Collection method: clinical testing. Allele origin: germline.
Comment: Not observed at significant frequency in large population cohorts (gnomAD); In silico analysis supports that this missense variant has a deleterious effect on protein structure/function; Has not been previously published as pathogenic or benign to our knowledge

NM_015557.3(CHD5):c.2805C>A (p.Asp935Glu)

Gene: CHD5 (chromodomain helicase DNA binding protein 5; minus strand). Cytogenetic location: 1p36.31.
Variant type: single nucleotide variant.
Coding change: c.2805C>A on transcript NM_015557.3 (MANE Select); coding-DNA position 2805, C replaced by A.
Protein change: p.Asp935Glu; replaces aspartic acid 935 with glutamic acid.
Molecular consequence: missense variant.
Genome position (GRCh38, 1-based): chr1:6,135,295, G>T on the plus strand (C>A on the coding strand, the complement: CHD5 is on the minus strand). VCF-style: chr1-6135295-G-T. GRCh37 (hg19) VCF-style: chr1-6195355-G-T.
Other names: short protein forms D935E.
Identifiers: ClinVar variation 5037265 (VCV005037265.1).